The following is an entry in ClinVar:

NM_001161403.3(LIMS2):c.958_969dup (p.Leu320_Leu323dup)

Gene: LIMS2 (LIM zinc finger domain containing 2; minus strand). Cytogenetic location: 2q14.3.
Variant type: Duplication.
Coding change: c.958_969dup on transcript NM_001161403.3 (MANE Select); coding-DNA positions 958 to 969, 12 bases duplicated (CTGAAGAAGCTG).
Protein change: p.Leu320_Leu323dup.
Molecular consequence: inframe insertion.
Genome position (GRCh38, 1-based): chr2:127,639,338-127,639,349, CAGCTTCTTCAG duplicated on the plus strand (CTGAAGAAGCTG on the coding strand, the reverse complement: LIMS2 is on the minus strand); duplicating any 12 consecutive bases within chr2:127,639,338-127,639,350 gives the same sequence; the c. name uses the placement nearest the transcript's 3' end. VCF-style (leftmost placement, unchanged base first): chr2-127639337-A-ACAGCTTCTTCAG. GRCh37 (hg19) VCF-style: chr2-128396912-A-ACAGCTTCTTCAG.
Other names: c.1030_1041dupCTGAAGAAGCTG (NM_017980.4); c.1024_1035dup, p.Leu342_Leu345dup (NM_001136037.4); c.943_954dup, p.Leu315_Leu318dup (NM_001161404.2); c.502_513dup, p.Leu168_Leu171dup (NM_001256542.2); c.1030_1041dup, p.Leu344_Leu347dup (NM_017980.5); c.1024_1035dup (NM_001136037.3).
Identifiers: ClinVar variation 475543 (VCV000475543.14), dbSNP rs752066748, ClinGen allele CA1862791.
Genomic context (GRCh38, chr2:127,639,337, plus strand): 5'-GCCTTCAGGCAGAGTTGAGGTCTGTGGCCTTGGGCTGGGCCTTGCGGGAGGTCAGCTCCG[A>ACAGCTTCTTCAG]CAGCTTCTTCAGCCGCTTCTTCAGCTCCAGCGGGAACTTCTCGTAGCACCTCTTACACAC-3'

ClinVar aggregate classification (germline): Uncertain significance. Review status: criteria provided, multiple submitters, no conflicts (2 of 4 stars). 2 submissions from 2 submitters: Uncertain significance (2). Last evaluated 2020-01-07.

Conditions:
Autosomal recessive limb-girdle muscular dystrophy type 2W (MDRCMTT). Also called: Muscular dystrophy, limb-girdle, type 2W; Muscular dystrophy, autosomal recessive, with cardiomyopathy and triangular tongue. Identifiers: MedGen C4225192, MONDO:0014788, OMIM 616827.

Submissions (2):

Revvity Omics, Revvity
Classification: Uncertain significance for Autosomal recessive limb-girdle muscular dystrophy type 2W. Last evaluated: 2020-01-07. Review status: criteria provided, single submitter. Criteria: ACMG Guidelines, 2015. Collection method: clinical testing. Allele origin: germline.

Labcorp Genetics (formerly Invitae), Labcorp
Classification: Uncertain significance for Autosomal recessive limb-girdle muscular dystrophy type 2W. Last evaluated: 2019-04-22. Review status: criteria provided, single submitter. Criteria: Invitae Variant Classification Sherloc (09022015). Collection method: clinical testing. Allele origin: germline.
Comment: This variant, c.1030_1041dupCTGAAGAAGCTG, results in the insertion of 4 amino acid(s) to the LIMS2 protein (p.Leu344_Leu347dup), but otherwise preserves the integrity of the reading frame. The frequency data for this variant in the population databases is considered unreliable, as metrics indicate poor data quality at this position in the ExAC database. This variant has not been reported in the literature in individuals with LIMS2-related disease. ClinVar contains an entry for this variant (Variation ID: 475543). Experimental studies and prediction algorithms are not available for this variant, and the functional significance of the affected amino acid(s) is currently unknown. In summary, the available evidence is currently insufficient to determine the role of this variant in disease. Therefore, it has been classified as a Variant of Uncertain Significance.